The following is an entry in ClinVar:

NM_003970.4(MYOM2):c.545C>T (p.Thr182Met)

Gene: MYOM2 (myomesin 2; plus strand). Cytogenetic location: 8p23.3.
Variant type: single nucleotide variant.
Coding change: c.545C>T on transcript NM_003970.4 (MANE Select); coding-DNA position 545, C replaced by T.
Protein change: p.Thr182Met; replaces threonine 182 with methionine.
Molecular consequence: missense variant.
Genome position (GRCh38, 1-based): chr8:2,057,765, C>T. VCF-style: chr8-2057765-C-T. GRCh37 (hg19) VCF-style: chr8-2005883-C-T.
Other names: short protein forms T182M.
Identifiers: ClinVar variation 3056138 (VCV003056138.2), dbSNP rs17064618, ClinGen allele CA170442175.

ClinVar aggregate classification (germline): Benign (0 of 4 stars; one submission).

Conditions:
MYOM2-related disorder. Also called: MYOM2-related condition.

Allele frequency attached by ClinVar (database versions not stated): gnomAD exomes 0.04597; ExAC 0.04869; 1000 Genomes Project 0.06250; 1000 Genomes Project 30x 0.06761; gnomAD 0.06851; TOPMed 0.07227; ESP Exome Variant Server 0.07735.
gnomAD v4.1: 77,780 of 1,613,924 alleles (4.8%); highest among the groups gnomAD compares: African/African-American, 13%; 2,310 homozygotes.

Submission:

PreventionGenetics, part of Exact Sciences
Classification: Benign for MYOM2-related condition. Last evaluated: 2019-03-07. Review status: no assertion criteria provided. Collection method: clinical testing. Allele origin: germline.
Comment: This variant is classified as benign based on ACMG/AMP sequence variant interpretation guidelines (Richards et al. 2015 PMID: 25741868, with internal and published modifications).